The following is an entry in ClinVar:

ClinVar aggregate classification (germline): Uncertain significance (1 of 4 stars; one submission).

gnomAD v4.1: 4 of 732,016 alleles (0.00055%); highest among the groups gnomAD compares: Non-Finnish European, 0.001%; no homozygotes.

Submission:

Women's Health and Genetics/Laboratory Corporation of America, LabCorp
Classification: Uncertain significance. Last evaluated: 2026-05-13. Review status: criteria provided, single submitter. Criteria: LabCorp Variant Classification Summary - May 2015. Collection method: clinical testing. Allele origin: germline.
Comment: Variant summary: C1R c.242A>T (p.Asp81Val) results in a non-conservative amino acid change in the encoded protein sequence. Algorithms developed to predict the effect of missense changes on protein structure and function are either unavailable or do not agree on the potential impact of this missense change. The variant allele was found at a frequency of 1.1e-05 in 175206 control chromosomes. The available data on variant occurrences in the general population are insufficient to allow any conclusion about variant significance. To our knowledge, no occurrence of c.242A>T in individuals affected with C1R-related conditions and no experimental evidence demonstrating its impact on protein function have been reported. No submitters have cited clinical-significance assessments for this variant to ClinVar. Based on the evidence outlined above, the variant was classified as uncertain significance.

NM_001733.7(C1R):c.242A>T (p.Asp81Val)

Gene: C1R (complement C1r; minus strand). Cytogenetic location: 12p13.31.
Variant type: single nucleotide variant.
Coding change: c.242A>T on transcript NM_001733.7 (MANE Select); coding-DNA position 242, A replaced by T.
Protein change: p.Asp81Val; replaces aspartic acid 81 with valine.
Molecular consequence: missense variant.
Genome position (GRCh38, 1-based): chr12:7,090,238, T>A on the plus strand (A>T on the coding strand, the complement: C1R is on the minus strand). VCF-style: chr12-7090238-T-A. GRCh37 (hg19) VCF-style: chr12-7242834-T-A.
Other names: c.284A>T, p.Asp95Val (NM_001354346.2); short protein forms D81V, D95V.
Identifiers: ClinVar variation 4853148 (VCV004853148.1).
Genomic context (GRCh38, chr12:7,090,238, plus strand): 5'-CCCGGGGGGTTGCCCAGTGGAGAACCCAGTTGCCCACAGAACCTCCCCAGGCTTTTCTTA[T>A]CAGCAGAGATCTGGTGGAAGAAGGACAGGGGGTAGGAAGAAGATCTGTTGCGGAGTGGCG-3'
Protein context (NP_001724.4, residues 71-91): CFYDYVKISA[Asp81Val]KKSLGRFCGQ